The following is an entry in ClinVar:

ClinVar aggregate classification (germline): Pathogenic (1 of 4 stars; one submission).

Conditions:
Glycogen storage disease IXb (GSD9B). Also called: GLYCOGENOSIS OF LIVER AND MUSCLE, AUTOSOMAL RECESSIVE; GSD IXb; PHOSPHORYLASE KINASE DEFICIENCY OF LIVER AND MUSCLE, AUTOSOMAL RECESSIVE. Identifiers: Orphanet 79240, MedGen C0543514, MONDO:0009868, OMIM 261750.

Submission:

Labcorp Genetics (formerly Invitae), Labcorp
Classification: Pathogenic for Glycogen storage disease IXb. Last evaluated: 2026-01-18. Review status: criteria provided, single submitter. Criteria: Invitae Variant Classification Sherloc (09022015). Collection method: clinical testing. Allele origin: germline.
Comment: This sequence change creates a premature translational stop signal (p.His112Profs*2) in the PHKB gene. It is expected to result in an absent or disrupted protein product. Loss-of-function variants in PHKB are known to be pathogenic (PMID: 9215682, 9326319). This variant is not present in population databases (gnomAD no frequency). This variant has not been reported in the literature in individuals affected with PHKB-related conditions. For these reasons, this variant has been classified as Pathogenic.

Literature cited by the submitters: PubMed 9215682; PubMed 9326319.

NM_000293.3(PHKB):c.334dup (p.His112fs)

Gene: PHKB (phosphorylase kinase regulatory subunit beta; plus strand). Cytogenetic location: 16q12.1.
Variant type: Duplication.
Coding change: c.334dup on transcript NM_000293.3 (MANE Select); coding-DNA position 334, one base duplicated (C; older notation c.334dupC).
Protein change: p.His112fs; shifts the reading frame from histidine 112.
Molecular consequence: frameshift variant.
Genome position (GRCh38, 1-based): chr16:47,503,019, C duplicated; the last of 3 consecutive C bases (chr16:47,503,017-47,503,019); duplicating any one gives the same sequence. VCF-style (leftmost placement, unchanged base first): chr16-47503016-A-AC. GRCh37 (hg19) VCF-style: chr16-47536927-A-AC.
Other names: c.313dup, p.His105fs (NM_001031835.3); c.334dup, p.His112fs (NM_001363837.1); short protein forms H105fs, H112fs.
Identifiers: ClinVar variation 4811355 (VCV004811355.1).